The following is an entry in ClinVar:

ClinVar aggregate classification (germline): Conflicting classifications of pathogenicity. Review status: criteria provided, conflicting classifications (1 of 4 stars). 3 submissions from 3 submitters: Likely pathogenic (1); Uncertain significance (2). Last evaluated 2024-07-17.

Conditions:
Autosomal dominant nonsyndromic hearing loss 2A. Also called: DFNA2 Nonsyndromic Hearing Loss; Deafness, autosomal dominant 2A; Autosomal dominant nonsyndromic deafness 2A. Identifiers: Orphanet 90635, MedGen C2677637, MONDO:0010817, OMIM 600101.

Submissions (3):

Labcorp Genetics (formerly Invitae), Labcorp
Classification: Uncertain significance. Last evaluated: 2024-07-17. Review status: criteria provided, single submitter. Criteria: Invitae Variant Classification Sherloc (09022015). Collection method: clinical testing. Allele origin: germline.
Comment: This sequence change replaces serine, which is neutral and polar, with leucine, which is neutral and non-polar, at codon 273 of the KCNQ4 protein (p.Ser273Leu). This variant is not present in population databases (gnomAD no frequency). This variant has not been reported in the literature in individuals affected with KCNQ4-related conditions. Advanced modeling of protein sequence and biophysical properties (such as structural, functional, and spatial information, amino acid conservation, physicochemical variation, residue mobility, and thermodynamic stability) has been performed at Invitae for this missense variant, however the output from this modeling did not meet the statistical confidence thresholds required to predict the impact of this variant on KCNQ4 protein function. In summary, the available evidence is currently insufficient to determine the role of this variant in disease. Therefore, it has been classified as a Variant of Uncertain Significance.

Clinical Genetics Laboratory, Skane University Hospital Lund
Classification: Uncertain significance. Last evaluated: 2022-06-30. Review status: criteria provided, single submitter. Criteria: ACMG Guidelines, 2015. Collection method: clinical testing. Allele origin: germline. Affected: yes.

Precision Medicine Center, Zhengzhou University
Classification: Likely pathogenic for Autosomal dominant nonsyndromic hearing loss 2A. Last evaluated: 2006-06-30. Review status: criteria provided, single submitter. Criteria: ClinGen HL ACMG Specifications v1. Collection method: clinical testing. Allele origin: paternal. Affected: yes.
Comment: PM1+PM2+PM6+PP3:The KCNQ4 c.818C>T variant is absent or extremely rare in population databases (PM2). It is located in a critical functional domain of the KCNQ4 protein where pathogenic missense variants are enriched (PM1) and is predicted to be deleterious by multiple computational algorithms (PP3). The variant has also been identified as a presumed de novo occurrence in an affected individual, providing moderate evidence for pathogenicity (PM6). According to the ACMG/AMP guidelines, this variant is classified as Likely Pathogenic.

NM_004700.4(KCNQ4):c.818C>T (p.Ser273Leu)

Gene: KCNQ4 (potassium voltage-gated channel subfamily Q member 4; plus strand). Cytogenetic location: 1p34.2.
Variant type: single nucleotide variant.
Coding change: c.818C>T on transcript NM_004700.4 (MANE Select); coding-DNA position 818, C replaced by T.
Protein change: p.Ser273Leu; replaces serine 273 with leucine.
Molecular consequence: missense variant.
Genome position (GRCh38, 1-based): chr1:40,819,456, C>T. VCF-style: chr1-40819456-C-T. GRCh37 (hg19) VCF-style: chr1-41285128-C-T.
Other names: c.818C>T, p.Ser273Leu (NM_172163.3); short protein forms S273L.
Identifiers: ClinVar variation 3337207 (VCV003337207.4).